The following is an entry in ClinVar:

NM_000540.3(RYR1):c.9574G>A (p.Glu3192Lys)

Gene: RYR1 (ryanodine receptor 1; plus strand). Cytogenetic location: 19q13.2.
Variant type: single nucleotide variant.
Coding change: c.9574G>A on transcript NM_000540.3 (MANE Select); coding-DNA position 9574, G replaced by A.
Protein change: p.Glu3192Lys; replaces glutamic acid 3192 with lysine.
Molecular consequence: missense variant.
Genome position (GRCh38, 1-based): chr19:38,516,106, G>A. VCF-style: chr19-38516106-G-A. GRCh37 (hg19) VCF-style: chr19-39006746-G-A.
Other names: c.9574G>A, p.Glu3192Lys (NM_001042723.2); short protein forms E3192K.
Identifiers: ClinVar variation 3385506 (VCV003385506.1).

ClinVar aggregate classification (germline): Uncertain significance (1 of 4 stars; one submission).

Conditions:
Malignant hyperthermia, susceptibility to, 1 (MHS1). Also called: Anesthesia related hyperthermia; Malignant hyperpyrexia; Fulminating hyperpyrexia; Pharmacogenic myopathy; Malignant hyperthermia suceptibility 1; RYR1-Related Malignant Hyperthermia Susceptibility. Identifiers: Orphanet 423, MedGen C2930980, MONDO:0007783, OMIM 145600.

gnomAD v4.1: 2 of 1,549,464 alleles (0.00013%); no homozygotes.

Submission:

All of Us Research Program, National Institutes of Health
Classification: Uncertain significance for Malignant hyperthermia, susceptibility to, 1. Last evaluated: 2024-04-16. Review status: criteria provided, single submitter. Criteria: ACMG Guidelines, 2015. Collection method: clinical testing. Allele origin: germline. Inheritance: Autosomal dominant inheritance. Observed: 1 variant allele, 1 heterozygote.
Comment: This missense variant replaces glutamic acid with lysine at codon 3192 of the RYR1 protein. Computational prediction suggests that this variant may not impact protein structure and function (internally defined REVEL score threshold <= 0.5, PMID: 27666373). To our knowledge, functional studies have not been reported for this variant. This variant has not been reported in individuals affected with RYR1-related disorders in the literature. This variant has not been identified in the general population by the Genome Aggregation Database (gnomAD). The available evidence is insufficient to determine the role of this variant in disease conclusively. Therefore, this variant is classified as a Variant of Uncertain Significance.

This study involves interpretation of variants in research participants for the purpose of population health screening. Participant phenotype was not available at the time of variant classification. Additional details can be found in publication PMID: 35346344, PMCID: PMC8962531